The following is an entry in ClinVar:

ClinVar aggregate classification (germline): Uncertain significance (1 of 4 stars; one submission).

Conditions:
Long QT syndrome (LQTS). Identifiers: MedGen C0023976, MeSH D008133, MONDO:0002442. Disease mechanism: loss of function. Inheritance: Various modes of inheritance.

Allele frequency attached by ClinVar (database versions not stated): TOPMed below 0.00001.
gnomAD v4.1: 9 of 1,614,022 alleles (0.00056%); highest among the groups gnomAD compares: Non-Finnish European, 0.00068%; no homozygotes.

Submission:

Labcorp Genetics (formerly Invitae), Labcorp
Classification: Uncertain significance for Long QT syndrome. Last evaluated: 2025-05-05. Review status: criteria provided, single submitter. Criteria: Invitae Variant Classification Sherloc (09022015). Collection method: clinical testing. Allele origin: germline.
Comment: This sequence change replaces glutamic acid, which is acidic and polar, with valine, which is neutral and non-polar, at codon 1653 of the ANK2 protein (p.Glu1653Val). This variant is not present in population databases (gnomAD no frequency). This variant has not been reported in the literature in individuals affected with ANK2-related conditions. ClinVar contains an entry for this variant (Variation ID: 2745280). An algorithm developed to predict the effect of missense changes on protein structure and function outputs the following: PolyPhen-2: "Benign". The valine amino acid residue is found in multiple mammalian species, which suggests that this missense change does not adversely affect protein function. In summary, the available evidence is currently insufficient to determine the role of this variant in disease. Therefore, it has been classified as a Variant of Uncertain Significance.

NM_001148.6(ANK2):c.4958A>T (p.Glu1653Val)

Gene: ANK2 (ankyrin 2; plus strand). Cytogenetic location: 4q26.
Variant type: single nucleotide variant.
Coding change: c.4958A>T on transcript NM_001148.6 (MANE Select); coding-DNA position 4958, A replaced by T.
Protein change: p.Glu1653Val; replaces glutamic acid 1653 with valine.
Molecular consequence: missense variant. On other transcripts: intron variant (68).
Genome position (GRCh38, 1-based): chr4:113,353,576, A>T. VCF-style: chr4-113353576-A-T. GRCh37 (hg19) VCF-style: chr4-114274732-A-T.
Other names: c.4285+3327A>T (NM_001354261.2); c.4165+3327A>T (NM_001386156.1, NM_001354257.2); c.4261+3327A>T (NM_001354264.2); c.4240+3327A>T (NM_001354267.2, NM_001386162.1, NM_001354249.2 and 2 more transcripts); c.4141+3327A>T (NM_001354271.2, NM_001386151.1, NM_001354260.2); c.3943+3327A>T (NM_001386158.1); c.4471+3327A>T (NM_001354241.2, NM_001386144.1, NM_001354240.2); c.4438+3327A>T (NM_001354225.2); and 35 more; short protein forms E1692V, E1700V, E453V, E1575V, E1653V.
Identifiers: ClinVar variation 2745280 (VCV002745280.3), dbSNP rs2095549900, ClinGen allele CA357917557.